The following is an entry in ClinVar:

ClinVar aggregate classification (germline): Likely pathogenic. Review status: criteria provided, multiple submitters, no conflicts (2 of 4 stars). 2 submissions from 2 submitters: Likely pathogenic (2). Last evaluated 2024-03-31.

Conditions:
Congenital lactic acidosis, Saguenay-Lac-Saint-Jean type (MC4DN5). Also called: MITOCHONDRIAL COMPLEX IV DEFICIENCY, NUCLEAR TYPE 5; CYTOCHROME c OXIDASE DEFICIENCY, FRENCH CANADIAN TYPE; COX DEFICIENCY, FRENCH CANADIAN TYPE. Identifiers: Orphanet 70472, MedGen C1857355, MONDO:0009069, OMIM 220111.

Submissions (2):

Fulgent Genetics
Classification: Likely pathogenic for Congenital lactic acidosis, Saguenay-Lac-Saint-Jean type. Last evaluated: 2024-03-31. Review status: criteria provided, single submitter. Criteria: ACMG Guidelines, 2015. Collection method: clinical testing. Allele origin: germline.

Labcorp Genetics (formerly Invitae), Labcorp
Classification: Likely pathogenic. Last evaluated: 2022-02-11. Review status: criteria provided, single submitter. Criteria: Invitae Variant Classification Sherloc (09022015). Collection method: clinical testing. Allele origin: germline.
Comment: In summary, the currently available evidence indicates that the variant is pathogenic, but additional data are needed to prove that conclusively. Therefore, this variant has been classified as Likely Pathogenic. Algorithms developed to predict the effect of sequence changes on RNA splicing suggest that this variant may disrupt the consensus splice site. This variant has not been reported in the literature in individuals affected with LRPPRC-related conditions. This variant is not present in population databases (gnomAD no frequency). This sequence change affects a donor splice site in intron 11 of the LRPPRC gene. It is expected to disrupt RNA splicing. Variants that disrupt the donor or acceptor splice site typically lead to a loss of protein function (PMID: 16199547), and loss-of-function variants in LRPPRC are known to be pathogenic (PMID: 26510951).

Literature cited by the submitters: PubMed 16199547 (cited by Labcorp Genetics (formerly Invitae), Labcorp); PubMed 26510951 (cited by Labcorp Genetics (formerly Invitae), Labcorp).

NM_133259.4(LRPPRC):c.1369+1G>C

Gene: LRPPRC (leucine rich pentatricopeptide repeat containing; minus strand). Cytogenetic location: 2p21.
Variant type: single nucleotide variant.
Coding change: c.1369+1G>C on transcript NM_133259.4 (MANE Select); the canonical splice donor site of the intron after coding-DNA position 1369, G replaced by C.
Molecular consequence: splice donor variant.
Genome position (GRCh38, 1-based): chr2:43,973,606, C>G on the plus strand (G>C on the coding strand, the complement: LRPPRC is on the minus strand). VCF-style: chr2-43973606-C-G. GRCh37 (hg19) VCF-style: chr2-44200745-C-G.
Identifiers: ClinVar variation 1962810 (VCV001962810.6), dbSNP rs2466659682, ClinGen allele CA346671874.